The following is an entry in ClinVar:

NM_000093.5(COL5A1):c.1961C>T (p.Pro654Leu)

Gene: COL5A1 (collagen type V alpha 1 chain; plus strand). Cytogenetic location: 9q34.3.
Variant type: single nucleotide variant.
Coding change: c.1961C>T on transcript NM_000093.5 (MANE Select); coding-DNA position 1961, C replaced by T.
Protein change: p.Pro654Leu; replaces proline 654 with leucine.
Molecular consequence: missense variant.
Genome position (GRCh38, 1-based): chr9:134,761,950, C>T. VCF-style: chr9-134761950-C-T. GRCh37 (hg19) VCF-style: chr9-137653796-C-T.
Other names: c.1961C>T, p.Pro654Leu (NM_001278074.1); short protein forms P654L.
Identifiers: ClinVar variation 5009020 (VCV005009020.1).
Genomic context (GRCh38, chr9:134,761,950, plus strand): 5'-CAGGAGAGGCTGACGTTGACCCTTTCACTTCCTAGGGTGACCCTGGTCCTTCCGGCCCAC[C>T]AGGACCTCCGGGAGACGATGGAGAAAGGGTAGGTATTCTGCCGTCCCTCCGACTGCTCCT-3'
Protein context (NP_000084.3, residues 644-664): HRGDPGPSGP[Pro654Leu]GPPGDDGERG

ClinVar aggregate classification (germline): Uncertain significance (1 of 4 stars; one submission).

gnomAD v4.1: 2 of 1,613,456 alleles (0.00012%); highest among the groups gnomAD compares: African/African-American, 0.0013%; no homozygotes.

Submission:

GeneDx
Classification: Uncertain significance. Last evaluated: 2026-03-11. Review status: criteria provided, single submitter. Criteria: GeneDx Variant Classification Process June 2021. Collection method: clinical testing. Allele origin: germline.
Comment: Not observed at significant frequency in large population cohorts (gnomAD); In silico analysis supports that this missense variant has a deleterious effect on protein structure/function; Has not been previously published as pathogenic or benign to our knowledge; Occurs in the triple helical domain at the Y position in the canonical Gly-X-Y repeat; although this variant may have an effect on normal protein folding and function, missense substitution at the Y position is not a common mechanism of disease (PMID: 22696272; HGMD); This variant is associated with the following publications: (PMID: 22696272)